The following is an entry in ClinVar:

NM_004369.4(COL6A3):c.5924G>T (p.Arg1975Leu)

Gene: COL6A3 (collagen type VI alpha 3 chain; minus strand). Cytogenetic location: 2q37.3.
Variant type: single nucleotide variant.
Coding change: c.5924G>T on transcript NM_004369.4 (MANE Select); coding-DNA position 5924, G replaced by T.
Protein change: p.Arg1975Leu; replaces arginine 1975 with leucine.
Molecular consequence: missense variant.
Genome position (GRCh38, 1-based): chr2:237,363,392, C>A on the plus strand (G>T on the coding strand, the complement: COL6A3 is on the minus strand). VCF-style: chr2-237363392-C-A. GRCh37 (hg19) VCF-style: chr2-238272035-C-A.
Other names: c.4103G>T, p.Arg1368Leu (NM_057166.5); c.5306G>T, p.Arg1769Leu (NM_057167.4); short protein forms R1769L, R1975L, R1368L.
Identifiers: ClinVar variation 896268 (VCV000896268.6), dbSNP rs375287084, ClinGen allele CA351219286.

ClinVar aggregate classification (germline): Uncertain significance. Review status: criteria provided, multiple submitters, no conflicts (2 of 4 stars). 2 submissions from 2 submitters: Uncertain significance (2). Last evaluated 2024-11-19.

Conditions:
Collagen 6-related myopathy. Identifiers: MedGen CN117976, MONDO:0100225.
Bethlem myopathy 1A. Also called: MYOPATHY, BENIGN CONGENITAL, WITH CONTRACTURES; Bethlem myopathy 1; Bethlem Muscular Dystrophy. Identifiers: Orphanet 610, MedGen CN029274, MONDO:0024530, OMIM 158810.

Submissions (2):

Labcorp Genetics (formerly Invitae), Labcorp
Classification: Uncertain significance for Bethlem myopathy 1A. Last evaluated: 2024-11-19. Review status: criteria provided, single submitter. Criteria: Invitae Variant Classification Sherloc (09022015). Collection method: clinical testing. Allele origin: germline.
Comment: This sequence change replaces arginine, which is basic and polar, with leucine, which is neutral and non-polar, at codon 1975 of the COL6A3 protein (p.Arg1975Leu). This variant is not present in population databases (gnomAD no frequency). This variant has not been reported in the literature in individuals affected with COL6A3-related conditions. ClinVar contains an entry for this variant (Variation ID: 896268). Invitae Evidence Modeling of protein sequence and biophysical properties (such as structural, functional, and spatial information, amino acid conservation, physicochemical variation, residue mobility, and thermodynamic stability) indicates that this missense variant is not expected to disrupt COL6A3 protein function with a negative predictive value of 80%. In summary, the available evidence is currently insufficient to determine the role of this variant in disease. Therefore, it has been classified as a Variant of Uncertain Significance.

Illumina Laboratory Services, Illumina
Classification: Uncertain significance for Collagen VI-related myopathy. Last evaluated: 2018-01-12. Review status: criteria provided, single submitter. Criteria: ICSL Variant Classification Criteria 13 December 2019. Collection method: clinical testing. Allele origin: germline.